The following is an entry in ClinVar:

ClinVar aggregate classification (germline): Likely benign (1 of 4 stars; one submission).

Allele frequency attached by ClinVar (database versions not stated): 1000 Genomes Project 30x 0.00016; 1000 Genomes Project 0.00020; gnomAD 0.00003; gnomAD exomes 0.00003; ExAC 0.00004; ESP Exome Variant Server 0.00009.
gnomAD v4.1: 44 of 1,374,164 alleles (0.0032%); highest among the groups gnomAD compares: Middle Eastern, 0.074%; 11 homozygotes.

Submission:

CeGaT Center for Human Genetics Tuebingen
Classification: Likely benign. Last evaluated: 2024-06-01. Review status: criteria provided, single submitter. Criteria: CeGaT Center For Human Genetics Tuebingen Variant Classification Criteria Version 2. Collection method: clinical testing. Allele origin: germline. Affected: yes. Observed: 1 variant allele.
Comment: RHD: BP4, BS2

NM_016124.6(RHD):c.845G>A (p.Gly282Asp)

Genes: RHD (Rh blood group D antigen; plus strand), RSRP1 (arginine and serine rich protein 1; minus strand). Cytogenetic location: 1p36.11.
Variant type: single nucleotide variant.
Coding change: c.845G>A on transcript NM_016124.6 (MANE Select); coding-DNA position 845, G replaced by A.
Protein change: p.Gly282Asp; replaces glycine 282 with aspartic acid.
Molecular consequence: missense variant. On other transcripts: non-coding transcript variant (4), intron variant (1).
Genome position (GRCh38, 1-based): chr1:25,303,365, G>A. VCF-style: chr1-25303365-G-A. GRCh37 (hg19) VCF-style: chr1-25629856-G-A.
Other names: c.845G>A, p.Gly282Asp (NM_001127691.3, NM_001282868.1, NM_001282869.2 and 3 more transcripts); c.347G>A, p.Gly116Asp (NM_001282867.1); c.-67+33675C>T (NM_001321772.2); short protein forms G116D, G282D.
Identifiers: ClinVar variation 3250600 (VCV003250600.17), dbSNP rs142484009.
Genomic context (GRCh38, chr1:25,303,365, plus strand): 5'-ACGCTATTTCTTTGCAGACTTATGTGCACAGTGCGGTGTTGGCAGGAGGCGTGGCTGTGG[G>A]TACCTCGTGTCACCTGATCCCTTCTCCGTGGCTTGCCATGGTGCTGGGTCTTGTGGCTGG-3'
Protein context (NP_057208.3, residues 272-292): SAVLAGGVAV[Gly282Asp]TSCHLIPSPW